The following is an entry in ClinVar:

ClinVar aggregate classification (germline): Uncertain significance (1 of 4 stars; one submission).

Conditions:
Nemaline myopathy 2 (NEM2). Also called: Nemaline myopathy 2, autosomal recessive. Identifiers: MedGen C1850569, MONDO:0009725, OMIM 256030.

gnomAD v4.1: 3 of 1,613,908 alleles (0.00019%); highest among the groups gnomAD compares: Non-Finnish European, 0.00025%; no homozygotes.

Submission:

Labcorp Genetics (formerly Invitae), Labcorp
Classification: Uncertain significance for Nemaline myopathy 2. Last evaluated: 2021-09-17. Review status: criteria provided, single submitter. Criteria: Invitae Variant Classification Sherloc (09022015). Collection method: clinical testing. Allele origin: germline.
Comment: This sequence change replaces histidine with aspartic acid at codon 3291 of the NEB protein (p.His3291Asp). The histidine residue is moderately conserved and there is a moderate physicochemical difference between histidine and aspartic acid. This variant is not present in population databases (ExAC no frequency). This variant has not been reported in the literature in individuals with NEB-related conditions. Algorithms developed to predict the effect of missense changes on protein structure and function are either unavailable or do not agree on the potential impact of this missense change (SIFT: "Deleterious"; PolyPhen-2: "Not Available"; Align-GVGD: "Class C0"). In summary, the available evidence is currently insufficient to determine the role of this variant in disease. Therefore, it has been classified as a Variant of Uncertain Significance.

NM_001164508.2(NEB):c.9871C>G (p.His3291Asp)

Gene: NEB (nebulin; minus strand). Cytogenetic location: 2q23.3.
Variant type: single nucleotide variant.
Coding change: c.9871C>G on transcript NM_001164508.2 (MANE Select); coding-DNA position 9871, C replaced by G.
Protein change: p.His3291Asp; replaces histidine 3291 with aspartic acid.
Molecular consequence: missense variant.
Genome position (GRCh38, 1-based): chr2:151,627,795, G>C on the plus strand (C>G on the coding strand, the complement: NEB is on the minus strand). VCF-style: chr2-151627795-G-C. GRCh37 (hg19) VCF-style: chr2-152484309-G-C.
Other names: c.9871C>G, p.His3291Asp (NM_001164507.2, NM_001271208.2); c.9142C>G, p.His3048Asp (NM_004543.5); short protein forms H3048D, H3291D.
Identifiers: ClinVar variation 1473139 (VCV001473139.5), dbSNP rs2154061498, ClinGen allele CA348796172.
Genomic context (GRCh38, chr2:151,627,795, plus strand): 5'-TGGCCACATGCATGGACCACATCATCTTGGGGTCATCTTCAATGTTCCGGGCTCCAATGT[G>C]GTGGCCGAGCTGCTTGCGGTAACCATCTTTGTATTTGTACTGAAATAAAGGTGGTCATTT-3'
Protein context (NP_001157980.2, residues 3281-3301): KDGYRKQLGH[His3291Asp]IGARNIEDDP